The following is an entry in ClinVar:

ClinVar aggregate classification (germline): Uncertain significance (1 of 4 stars; one submission).

Conditions:
Muscular dystrophy. Identifiers: Orphanet 98473, MedGen C0026850, MeSH D009136, MONDO:0020121, HP:0003560.

Submission:

Human Genetics Bochum, Ruhr University Bochum
Classification: Uncertain significance for Muscular dystrophy. Last evaluated: 2022-11-22. Review status: criteria provided, single submitter. Criteria: ACMG Guidelines, 2015. Collection method: clinical testing. Allele origin: germline. Affected: yes.
Comment: ACMG criteria used to clasify this variant: PM2, PP3

NM_000426.4(LAMA2):c.8474T>C (p.Phe2825Ser)

Gene: LAMA2 (laminin subunit alpha 2; plus strand). Cytogenetic location: 6q22.33.
Variant type: single nucleotide variant.
Coding change: c.8474T>C on transcript NM_000426.4 (MANE Select); coding-DNA position 8474, T replaced by C.
Protein change: p.Phe2825Ser; replaces phenylalanine 2825 with serine.
Molecular consequence: missense variant.
Genome position (GRCh38, 1-based): chr6:129,503,207, T>C. VCF-style: chr6-129503207-T-C. GRCh37 (hg19) VCF-style: chr6-129824352-T-C.
Other names: c.8462T>C, p.Phe2821Ser (NM_001079823.2); short protein forms F2821S, F2825S.
Identifiers: ClinVar variation 1810276 (VCV001810276.1), dbSNP rs2533538654, ClinGen allele CA365634220.